The following continues an entry in ClinVar:

NM_000059.4(BRCA2):c.5303_5304del (p.Leu1768fs)

Gene: BRCA2. ClinVar aggregate classification (germline): Pathogenic. Pathogenic (1).

Submissions 24 to 29 of 29:

Clinical Genomics Laboratory, Stanford Medicine
Classification: Pathogenic for Breast-ovarian cancer, familial, susceptibility to, 2. Last evaluated: 2019-07-26. Review status: no assertion criteria provided. Collection method: clinical testing. Allele origin: germline. Inheritance: Autosomal dominant inheritance. Affected: yes. Not counted in ClinVar's aggregate classification.
Comment: The p.Leu1768Argfs*5 variant in the BRCA2 gene, also described as c.5531delTT in the literature, has been previously reported in at least 4 unrelated individuals with hereditary breast and ovarian cancer (Alsop et al., 2012; GutiÃ©rrez Espeleta et al., 2012; Kraus et al., 2016). This variant has been identified in 1/113,142 European chromosomes by the Genome Aggregation Database. The p.Leu1768Argfs*5 variant results in a 2 bp deletion, which causes a shift in the protein reading frame, leading to a premature termination codon 5 amino acids downstream. Heterozygous loss of function is an established mechanism of disease for the BRCA2 gene. These data were assessed using the ACMG/AMP variant interpretation guidelines. In summary, there is sufficient evidence to classify the p.Leu1768Argfs*5 variant as pathogenic for autosomal dominant BRCA2-associated hereditary breast and ovarian cancer based on the information above. [ACMG evidence codes used: PVS1; PS4_Supporting; PM2]

Institute of Human Genetics, Medical University Innsbruck
Classification: Pathogenic for Breast-ovarian cancer, familial 2. Last evaluated: 2015-02-11. Review status: no assertion criteria provided. Criteria: clinical testing. Collection method: clinical testing. Allele origin: germline. Affected: yes. Study: BRCA-Tyrol. Not counted in ClinVar's aggregate classification.
Comment: BRCA-mutation spectrum Western Austria

Research Molecular Genetics Laboratory, Women's College Hospital, University of Toronto
Classification: Pathogenic for Hereditary breast ovarian cancer syndrome. Last evaluated: 2014-01-31. Review status: no assertion criteria provided. Collection method: research. Allele origin: germline. Affected: yes. Study: The Canadian Open Genetics Repository (COGR). Not counted in ClinVar's aggregate classification.

Sharing Clinical Reports Project (SCRP)
Classification: Pathogenic for Breast-ovarian cancer, familial 2. Last evaluated: 2012-07-10. Review status: no assertion criteria provided. Collection method: clinical testing. Allele origin: germline. Not counted in ClinVar's aggregate classification.

Breast Cancer Information Core (BIC) (BRCA2)
Classification: Pathogenic for Breast-ovarian cancer, familial 2. Last evaluated: 2004-02-20. Review status: no assertion criteria provided. Collection method: clinical testing. Allele origin: germline. Affected: yes. Observed: 5 variant alleles. Not counted in ClinVar's aggregate classification.

Department of Pathology and Laboratory Medicine, Sinai Health System
Classification: Pathogenic for Malignant tumor of breast. Review status: no assertion criteria provided. Collection method: clinical testing. Allele origin: unknown. Affected: yes. Observed: 2 variant alleles. Study: The Canadian Open Genetics Repository (COGR). Not counted in ClinVar's aggregate classification.
Comment: The BRCA2 p.Leu1768Argfs*5 variant was identified in the literature however the frequency of this variant in an affected population was not provided (Copson 2018). The variant was also identified in the following databases: dbSNP (ID: rs80359505) as â€šÃ„ÃºWith Pathogenic alleleâ€šÃ„Ã¹, ClinVar and Clinvitae databases (11x classified as pathogenic by ENIGMA, University of Cambridge, Ambry Genetics, Invitae, GeneDx, Color Genomics, Laboratory Corporation of America, BIC, Medical University Innsbruck, Sharing Clinical Reports, and Women's College Hospital), LOVD 3.0 (9 entries classified as affects function), UMD-LSDB (2 entries classified as causal), BIC Database (5 entries classified as pathogenic), and ARUP Laboratories (classified as definitely pathogenic). The variant was not identified in the COGR, COSMIC, MutDB, or Zhejiang Colon Cancer databases. The variant was identified in control databases in 1 of 245386 chromosomes at a frequency of 0.000004 (Genome Aggregation Database Feb 27, 2017). It was observed in the European (Non-Finnish) population in 1 of 111220 chromosomes (freq: 0.000009); it was not observed in the African, Ashkenazi Jewish, East Asian, European (Finnish), Latino, Other, and South Asian populations. The c.5303_5304del variant is predicted to cause a frameshift, which alters the protein's amino acid sequence beginning at codon 1768 and leads to a premature stop codon 5 codons downstream. This alteration is then predicted to result in a truncated or absent protein and loss of function. Loss of function variants of the BRCA2 gene are an established mechanism of disease in hereditary breast and ovarian cancer and is the type of variant expected to cause the disorder. In summary, based on the above information this variant meets our laboratoryâ€šÃ„Ã´s criteria to be classified as pathogenic.

Literature cited by the submitters: PubMed 24156927 (cited by 4 submitters); PubMed 24312913 (cited by Women's Health and Genetics/Laboratory Corporation of America, LabCorp); PubMed 23569316 (cited by 3 submitters); PubMed 18182994 (cited by 3 submitters); PubMed 21895635 (cited by 8 submitters); PubMed 27616075 (cited by 3 submitters); PubMed 29446198 (cited by 3 submitters); PubMed 20104584 (cited by Labcorp Genetics (formerly Invitae), Labcorp); PubMed 10969800 (cited by 5 submitters); PubMed 22762150 (cited by 5 submitters); PubMed 22711857 (cited by 3 submitters); PubMed 33471991 (cited by Color Diagnostics, LLC DBA Color Health); PubMed 35264596 (cited by Color Diagnostics, LLC DBA Color Health); PubMed 24764757 (cited by Ambry Genetics and Genetics and Molecular Pathology, SA Pathology); PubMed 28127413 (cited by Ambry Genetics); PubMed 28767289 (cited by 3 submitters); PubMed 28985766 (cited by Quest Diagnostics Nichols Institute San Juan Capistrano); PubMed 28888541 (cited by Quest Diagnostics Nichols Institute San Juan Capistrano); PubMed 29625052 (cited by Quest Diagnostics Nichols Institute San Juan Capistrano); PubMed 29922827 (cited by Quest Diagnostics Nichols Institute San Juan Capistrano); PubMed 30257646 (cited by Quest Diagnostics Nichols Institute San Juan Capistrano); PubMed 33087929 (cited by Quest Diagnostics Nichols Institute San Juan Capistrano); PubMed 32885271 (cited by Quest Diagnostics Nichols Institute San Juan Capistrano); PubMed 34399810 (cited by Quest Diagnostics Nichols Institute San Juan Capistrano); PubMed 34657373 (cited by Quest Diagnostics Nichols Institute San Juan Capistrano); PubMed 33758026 (cited by Quest Diagnostics Nichols Institute San Juan Capistrano).